The following is an entry in ClinVar:

NM_001005361.3(DNM2):c.1616A>T (p.Lys539Met)

Gene: DNM2 (dynamin 2; plus strand). Cytogenetic location: 19p13.2.
Variant type: single nucleotide variant.
Coding change: c.1616A>T on transcript NM_001005361.3 (MANE Select); coding-DNA position 1616, A replaced by T.
Protein change: p.Lys539Met; replaces lysine 539 with methionine.
Molecular consequence: missense variant.
Genome position (GRCh38, 1-based): chr19:10,812,322, A>T. VCF-style: chr19-10812322-A-T. GRCh37 (hg19) VCF-style: chr19-10922998-A-T.
Other names: c.1616A>T, p.Lys539Met (NM_001005360.3, NM_001190716.2); c.1604A>T, p.Lys535Met (NM_001005362.3, NM_004945.4); short protein forms K539M, K535M.
Identifiers: ClinVar variation 572060 (VCV000572060.8), dbSNP rs1568314284, ClinGen allele CA404039546.

ClinVar aggregate classification (germline): Uncertain significance (1 of 4 stars; one submission).

Conditions:
Charcot-Marie-Tooth disease dominant intermediate B (CMTDIB). Also called: CHARCOT-MARIE-TOOTH NEUROPATHY, DOMINANT INTERMEDIATE B; Charcot-Marie-Tooth disease dominant intermediate 1; CMT DI1; Charcot-Marie-Tooth disease dominant intermediate I. Identifiers: Orphanet 100044, Orphanet 228179, MedGen C1847902, MONDO:0011674, OMIM 606482.

Submission:

Labcorp Genetics (formerly Invitae), Labcorp
Classification: Uncertain significance for Charcot-Marie-Tooth disease dominant intermediate B. Last evaluated: 2022-08-15. Review status: criteria provided, single submitter. Criteria: Invitae Variant Classification Sherloc (09022015). Collection method: clinical testing. Allele origin: germline.
Comment: In summary, the available evidence is currently insufficient to determine the role of this variant in disease. Therefore, it has been classified as a Variant of Uncertain Significance. Algorithms developed to predict the effect of missense changes on protein structure and function are either unavailable or do not agree on the potential impact of this missense change (SIFT: "Deleterious"; PolyPhen-2: "Probably Damaging"; Align-GVGD: "Class C0"). ClinVar contains an entry for this variant (Variation ID: 572060). This variant has not been reported in the literature in individuals affected with DNM2-related conditions. This variant is not present in population databases (gnomAD no frequency). This sequence change replaces lysine, which is basic and polar, with methionine, which is neutral and non-polar, at codon 539 of the DNM2 protein (p.Lys539Met).